The following is an entry in ClinVar:

NM_006231.4(POLE):c.3824A>G (p.His1275Arg)

Gene: POLE (DNA polymerase epsilon, catalytic subunit; minus strand). Cytogenetic location: 12q24.33.
Variant type: single nucleotide variant.
Coding change: c.3824A>G on transcript NM_006231.4 (MANE Select); coding-DNA position 3824, A replaced by G.
Protein change: p.His1275Arg; replaces histidine 1275 with arginine.
Molecular consequence: missense variant.
Genome position (GRCh38, 1-based): chr12:132,649,487, T>C on the plus strand (A>G on the coding strand, the complement: POLE is on the minus strand). VCF-style: chr12-132649487-T-C. GRCh37 (hg19) VCF-style: chr12-133226073-T-C.
Other names: short protein forms H1275R.
Identifiers: ClinVar variation 2581845 (VCV002581845.1), dbSNP rs2541950573, ClinGen allele CA387385577.
Genomic context (GRCh38, chr12:132,649,487, plus strand): 5'-AGACGCTGCCTCTTCCTGCGGGCGAGGCGCTGCCGGGCCTGCAGCTGCCACTTCTTCTTG[T>C]GGAACCGGAGCCAGACAAGCCATTCCTCCTGGGATGGATGGTGAGCACAGCCAGTGTGCA-3'
Protein context (NP_006222.2, residues 1265-1285): QEEWLVWLRF[His1275Arg]KKKWQLQARQ

ClinVar aggregate classification (germline): Uncertain significance (1 of 4 stars; one submission).

Submission:

GeneDx
Classification: Uncertain significance. Last evaluated: 2023-03-30. Review status: criteria provided, single submitter. Criteria: GeneDx Variant Classification Process June 2021. Collection method: clinical testing. Allele origin: germline. Affected: yes.
Comment: Not observed at significant frequency in large population cohorts (gnomAD); In silico analysis supports that this missense variant has a deleterious effect on protein structure/function; Has not been previously published as pathogenic or benign to our knowledge